The following is an entry in ClinVar:

ClinVar aggregate classification (germline): Uncertain significance (1 of 4 stars; one submission).

Allele frequency attached by ClinVar (database versions not stated): gnomAD 0.00002; TOPMed 0.00002; ExAC 0.00004.

Submission:

Labcorp Genetics (formerly Invitae), Labcorp
Classification: Uncertain significance. Last evaluated: 2021-09-03. Review status: criteria provided, single submitter. Criteria: Invitae Variant Classification Sherloc (09022015). Collection method: clinical testing. Allele origin: germline.
Comment: This sequence change replaces glutamic acid with lysine at codon 604 of the ARHGEF18 protein (p.Glu604Lys). The glutamic acid residue is highly conserved and there is a small physicochemical difference between glutamic acid and lysine. This variant is present in population databases (rs773373259, ExAC 0.03%). This variant has not been reported in the literature in individuals affected with ARHGEF18-related conditions. Algorithms developed to predict the effect of missense changes on protein structure and function (SIFT, PolyPhen-2, Align-GVGD) all suggest that this variant is likely to be disruptive. In summary, the available evidence is currently insufficient to determine the role of this variant in disease. Therefore, it has been classified as a Variant of Uncertain Significance.

NM_001367823.1(ARHGEF18):c.2374G>A (p.Glu792Lys)

Gene: ARHGEF18 (Rho/Rac guanine nucleotide exchange factor 18; plus strand). Cytogenetic location: 19p13.2.
Variant type: single nucleotide variant.
Coding change: c.2374G>A on transcript NM_001367823.1 (MANE Select); coding-DNA position 2374, G replaced by A.
Protein change: p.Glu792Lys; replaces glutamic acid 792 with lysine.
Molecular consequence: missense variant.
Genome position (GRCh38, 1-based): chr19:7,459,916, G>A. VCF-style: chr19-7459916-G-A. GRCh37 (hg19) VCF-style: chr19-7524802-G-A.
Other names: c.1648G>A, p.Glu550Lys (NM_001130955.2); c.1336G>A, p.Glu446Lys (NM_001367824.1, NM_015318.4); short protein forms E446K, E550K, E792K.
Identifiers: ClinVar variation 1468057 (VCV001468057.3), dbSNP rs773373259, ClinGen allele CA9136817.